The following is an entry in ClinVar:

ClinVar aggregate classification (germline): Uncertain significance (0 of 4 stars; one submission).

Submission:

Martin Pollak Laboratory,  Beth Israel Deaconess Medical Center
Classification: Uncertain significance. Review status: no assertion criteria provided. Collection method: not provided. Allele origin: unknown.
Comment: Lower UCa2+ group
ClinVar note: Converted during submission from unknown to Uncertain significance.

NM_001096.3(ACLY):c.2895G>A (p.Lys965=)

Gene: ACLY (ATP citrate lyase; minus strand). Cytogenetic location: 17q21.2.
Variant type: single nucleotide variant.
Coding change: c.2895G>A on transcript NM_001096.3 (MANE Select); coding-DNA position 2895, G replaced by A.
Protein change: p.Lys965=; no amino-acid change (lysine 965 retained).
Molecular consequence: synonymous variant.
Genome position (GRCh38, 1-based): chr17:41,871,731, C>T on the plus strand (G>A on the coding strand, the complement: ACLY is on the minus strand). VCF-style: chr17-41871731-C-T. GRCh37 (hg19) VCF-style: chr17-40027984-C-T.
Other names: c.3057G>A, p.Lys1019= (NM_001303274.1); c.3027G>A, p.Lys1009= (NM_001303275.1); c.2865G>A, p.Lys955= (NM_198830.2).
Identifiers: ClinVar variation 64471 (VCV000064471.2), dbSNP rs387907388, ClinGen allele CA216217.